The following is an entry in ClinVar:

NM_001267550.2(TTN):c.100369del (p.Ile33458fs)

Genes: TTN (titin; minus strand), TTN-AS1 (TTN antisense RNA 1; plus strand), LOC126806420 (BRD4-independent group 4 enhancer GRCh37_chr2:179401104-179402303; plus strand). Cytogenetic location: 2q31.2.
Variant type: Deletion.
Coding change: c.100369del on transcript NM_001267550.2 (MANE Select); coding-DNA position 100369, one base deleted (C; older notation c.100369delC).
Protein change: p.Ile33458fs; shifts the reading frame from isoleucine 33458.
Molecular consequence: frameshift variant.
Genome position (GRCh38, 1-based): chr2:178,536,378, G deleted on the plus strand (C on the coding strand, the reverse complement: TTN is on the minus strand); the first of 2 consecutive G bases (chr2:178,536,378-178,536,379); deleting either gives the same sequence. VCF-style (leftmost placement, unchanged base first): chr2-178536377-AG-A. GRCh37 (hg19) VCF-style: chr2-179401104-AG-A.
Other names: c.73174delC (NM_003319.4); c.95446del, p.Ile31817fs (NM_001256850.1); c.73174del, p.Ile24393fs (NM_003319.4); c.92665del, p.Ile30890fs (NM_133378.4); c.73549del, p.Ile24518fs (NM_133432.3); c.73750del, p.Ile24585fs (NM_133437.4); short protein forms I24518fs, I30890fs, I31817fs, I33458fs, I24393fs, I24585fs.
Identifiers: ClinVar variation 1504358 (VCV001504358.7), dbSNP rs2154137417, ClinGen allele CA2573134071.

ClinVar aggregate classification (germline): Likely pathogenic. Review status: criteria provided, multiple submitters, no conflicts (2 of 4 stars). 2 submissions from 2 submitters: Likely pathogenic (2). Last evaluated 2025-10-30.

Conditions:
Dilated cardiomyopathy 1G (CMD1G). Identifiers: Orphanet 154, MedGen C1858763, MONDO:0011400, OMIM 604145.
Autosomal recessive limb-girdle muscular dystrophy type 2J (LGMDR10). Also called: MUSCULAR DYSTROPHY, LIMB-GIRDLE, AUTOSOMAL RECESSIVE 10; Limb-girdle muscular dystrophy, type 2J. Identifiers: Orphanet 140922, MedGen C1837342, MONDO:0012127, OMIM 608807.
Cardiovascular phenotype. Identifiers: MedGen CN230736.

Submissions (2):

Ambry Genetics
Classification: Likely pathogenic for Cardiovascular phenotype. Last evaluated: 2025-10-30. Review status: criteria provided, single submitter. Criteria: Ambry Variant Classification Scheme 2023. Collection method: clinical testing. Allele origin: germline.
Comment: The c.73174delC variant, located in coding exon 184 of the TTN gene, results from a deletion of one nucleotide at nucleotide position 73174, causing a translational frameshift with a predicted alternate stop codon (p.I24393Lfs*10). This exon is located in the A-band region of the N2-B isoform of the titin protein and is constitutively expressed in TTN transcripts (percent spliced in or PSI 100%). This variant is considered to be rare based on population cohorts in the Genome Aggregation Database (gnomAD). This variant is expected to result in loss of function by premature protein truncation or nonsense-mediated mRNA decay. While truncating variants in TTN are present in 1-3% of the general population, truncating variants in the A-band are the most common cause of dilated cardiomyopathy (Herman DS et al. N. Engl. J. Med., 2012 Feb;366:619-28; Roberts AM et al. Sci Transl Med, 2015 Jan;7:270ra6). TTN truncating variants encoded in constitutive exons (PSI >90%) have been found to be significantly associated with DCM regardless of their position in titin (Schafer S et al. Nat. Genet., 2017 01;49:46-53; Akhtar MM et al. Circ Heart Fail, 2020 Oct;13:e006832; Massier M et al. Clin Genet, 2025 Jan). Based on the majority of available evidence to date, this variant is likely to be pathogenic.

Labcorp Genetics (formerly Invitae), Labcorp
Classification: Likely pathogenic for Dilated cardiomyopathy 1G; Autosomal recessive limb-girdle muscular dystrophy type 2J. Last evaluated: 2021-11-22. Review status: criteria provided, single submitter. Criteria: Invitae Variant Classification Sherloc (09022015). Collection method: clinical testing. Allele origin: germline.
Comment: This sequence change creates a premature translational stop signal (p.Ile33458Leufs*10) in the TTN gene. While this is not anticipated to result in nonsense mediated decay, it is expected to create a truncated TTN protein. This variant is not present in population databases (gnomAD no frequency). This variant has not been reported in the literature in individuals affected with TTN-related conditions. This variant is located in the A band of TTN (PMID: 25589632). Truncating variants in this region are significantly overrepresented in patients affected with dilated cardiomyopathy (PMID: 25589632). Truncating variants in this region have also been reported in individuals affected with autosomal recessive centronuclear myopathy (PMID: 23975875). In summary, the currently available evidence indicates that the variant is pathogenic, but additional data are needed to prove that conclusively. Therefore, this variant has been classified as Likely Pathogenic.

Literature cited by the submitters: PubMed 25589632 (cited by Labcorp Genetics (formerly Invitae), Labcorp); PubMed 23975875 (cited by Labcorp Genetics (formerly Invitae), Labcorp).